The following is an entry in ClinVar:

ClinVar aggregate classification (germline): Uncertain significance. Review status: criteria provided, multiple submitters, no conflicts (2 of 4 stars). 4 submissions from 4 submitters: Uncertain significance (3). 1 of the submissions does not count toward it. Last evaluated 2025-01-06.

Conditions:
Pityriasis rubra pilaris (PRP). Also called: Pityriasis rubra pilaris--familial type. Identifiers: Orphanet 2897, MedGen C0032027, MONDO:0100017, OMIM 173200, MONDO:0008251.
Psoriasis 2. Identifiers: MedGen C1864497, MONDO:0011269, OMIM 602723.

Allele frequency attached by ClinVar (database versions not stated): gnomAD exomes below 0.00001 and 0.00001; TOPMed below 0.00001; gnomAD 0.00001.
gnomAD v4.1: 9 of 1,613,118 alleles (0.00056%); highest among the groups gnomAD compares: Non-Finnish European, 0.00076%; no homozygotes.

Submissions (4):

Labcorp Genetics (formerly Invitae), Labcorp
Classification: Uncertain significance for Pityriasis rubra pilaris; Psoriasis 2. Last evaluated: 2025-01-06. Review status: criteria provided, single submitter. Criteria: Invitae Variant Classification Sherloc (09022015). Collection method: clinical testing. Allele origin: germline.
Comment: This sequence change replaces isoleucine, which is neutral and non-polar, with asparagine, which is neutral and polar, at codon 593 of the CARD14 protein (p.Ile593Asn). This variant is present in population databases (rs281875220, gnomAD 0.0009%). This missense change has been observed in individual(s) with psoriasis (PMID: 22521419). ClinVar contains an entry for this variant (Variation ID: 68776). Invitae Evidence Modeling of protein sequence and biophysical properties (such as structural, functional, and spatial information, amino acid conservation, physicochemical variation, residue mobility, and thermodynamic stability) has been performed for this missense variant. However, the output from this modeling did not meet the statistical confidence thresholds required to predict the impact of this variant on CARD14 protein function. Experimental studies have shown that this missense change does not substantially affect CARD14 function (PMID: 22421419). In summary, the available evidence is currently insufficient to determine the role of this variant in disease. Therefore, it has been classified as a Variant of Uncertain Significance.

GeneDx
Classification: Uncertain significance. Last evaluated: 2021-11-22. Review status: criteria provided, single submitter. Criteria: GeneDx Variant Classification Process June 2021. Collection method: clinical testing. Allele origin: germline. Affected: yes.
Comment: Not observed at significant frequency in large population cohorts (Lek et al., 2016); In silico analysis supports that this missense variant has a deleterious effect on protein structure/function; Identified in individuals with psoriasis and in unaffected controls in published literature (Jordan et al., 2012); This variant is associated with the following publications: (PMID: 27939769, 30386326, 22521419)

Centre for Mendelian Genomics, University Medical Centre Ljubljana
Classification: Uncertain significance for Pityriasis rubra pilaris. Last evaluated: 2019-10-29. Review status: criteria provided, single submitter. Criteria: ACMG Guidelines, 2015. Collection method: clinical testing. Allele origin: unknown. Affected: yes.
Comment: This variant was classified as: Uncertain significance. The available evidence on this variant's pathogenicity is insufficient or conflicting. The following ACMG criteria were applied in classifying this variant: PM2,PP3.

UniProtKB/Swiss-Prot
No classification provided. Review status: no classification provided. Collection method: not provided. Allele origin: not provided. Not counted in ClinVar's aggregate classification.

Literature cited by the submitters: PubMed 22521419 (cited by Labcorp Genetics (formerly Invitae), Labcorp); PubMed 22421419 (cited by Labcorp Genetics (formerly Invitae), Labcorp).

NM_001366385.1(CARD14):c.1778T>A (p.Ile593Asn)

Gene: CARD14 (caspase recruitment domain family member 14; plus strand). Cytogenetic location: 17q25.3.
Variant type: single nucleotide variant.
Coding change: c.1778T>A on transcript NM_001366385.1 (MANE Select); coding-DNA position 1778, T replaced by A.
Protein change: p.Ile593Asn; replaces isoleucine 593 with asparagine.
Molecular consequence: missense variant. On other transcripts: non-coding transcript variant (1).
Genome position (GRCh38, 1-based): chr17:80,198,518, T>A. VCF-style: chr17-80198518-T-A. GRCh37 (hg19) VCF-style: chr17-78172317-T-A.
Other names: c.1778T>A, p.Ile593Asn (NM_024110.4, NM_001257970.1); c.1067T>A, p.Ile356Asn (NM_052819.3); short protein forms I593N, I356N.
Identifiers: ClinVar variation 68776 (VCV000068776.11), dbSNP rs281875220, ClinGen allele CA219902.